The following is an entry in ClinVar:

ClinVar aggregate classification (germline): Likely pathogenic (1 of 4 stars; one submission).

Conditions:
Osteogenesis imperfecta with normal sclerae, dominant form (OI4). Also called: Osteogenesis Imperfecta Type IV; OSTEOGENESIS IMPERFECTA, TYPE IV, WITH DENTINOGENESIS IMPERFECTA; Osteogenesis imperfecta type 4; Common Variable Osteogenesis Imperfecta with Normal Sclerae; OSTEOGENESIS IMPERFECTA WITH NORMAL SCLERAE. Identifiers: Orphanet 216820, Orphanet 666, MedGen C0268363, MONDO:0008148, OMIM 166220.

Submission:

Rare Disease Group, Clinical Genetics, Karolinska Institutet
Classification: Likely pathogenic for Osteogenesis imperfecta with normal sclerae, dominant form. Last evaluated: 2024-01-28. Review status: criteria provided, single submitter. Criteria: ACMG Guidelines, 2015. Collection method: clinical testing. Allele origin: de novo. Inheritance: Autosomal dominant inheritance. Affected: yes. Observed: 1 heterozygote.
Comment: Long-read sequencing confirmed that this complex rearrangement (deletion and duplication in COL1A2) is in tandem on the same allele. An equivalent description according to mutalyzer for this variant is also NC_000007.13 (NM_000089.4):c.[-416_595-209del;985_1817dup].

NC_000007.13:g.[94023928_94036950del;94039083_94045769dup]

Gene: COL1A2 (collagen type I alpha 2 chain; plus strand).
Variant type: Variation.
Identifiers: ClinVar variation 2692362 (VCV002692362.1).